The following is an entry in ClinVar:

NM_006950.3(SYN1):c.1287del (p.Arg430fs)

Gene: SYN1 (synapsin I; minus strand). Cytogenetic location: Xp11.3.
Variant type: Deletion.
Coding change: c.1287del on transcript NM_006950.3 (MANE Select); coding-DNA position 1287, one base deleted (C; older notation c.1287delC).
Protein change: p.Arg430fs; shifts the reading frame from arginine 430.
Molecular consequence: frameshift variant.
Genome position (GRCh38, 1-based): chrX:47,575,146, G deleted on the plus strand (C on the coding strand, the reverse complement: SYN1 is on the minus strand). VCF-style (leftmost placement, unchanged base first): chrX-47575145-TG-T. GRCh37 (hg19) VCF-style: chrX-47434544-TG-T.
Other names: c.1287del, p.Arg430fs (NM_133499.2); short protein forms R430fs.
Identifiers: ClinVar variation 2822546 (VCV002822546.3), dbSNP rs2519685812, ClinGen allele CA2739273505.

ClinVar aggregate classification (germline): Pathogenic (1 of 4 stars; one submission).

Conditions:
Epilepsy, X-linked 1, with variable learning disabilities and behavior disorders. Also called: X-linked epilepsy-learning disabilities-behavior disorders syndrome. Identifiers: Orphanet 85294, MedGen C5774177, MONDO:0010339, OMIM 300491.

Submission:

Labcorp Genetics (formerly Invitae), Labcorp
Classification: Pathogenic for Epilepsy, X-linked 1, with variable learning disabilities and behavior disorders. Last evaluated: 2023-01-24. Review status: criteria provided, single submitter. Criteria: Invitae Variant Classification Sherloc (09022015). Collection method: clinical testing. Allele origin: germline.
Comment: This sequence change results in a frameshift in the SYN1 gene (p.Arg430Glyfs*264). While this is not anticipated to result in nonsense mediated decay, it is expected to disrupt the last 240 amino acid(s) of the SYN1 protein and extend the protein by 23 additional amino acid residues. This variant is not present in population databases (gnomAD no frequency). For these reasons, this variant has been classified as Pathogenic. This variant disrupts a region of the SYN1 protein in which other variant(s) (p.Pro664Ser) have been determined to be pathogenic (Invitae). This suggests that this is a clinically significant region of the protein, and that variants that disrupt it are likely to be disease-causing. This variant has not been reported in the literature in individuals affected with SYN1-related conditions.